The following is an entry in ClinVar:

ClinVar aggregate classification (germline): Uncertain significance (1 of 4 stars; one submission).

Conditions:
NRP2-related disorder. Also called: NRP2-related condition.

Submission:

PreventionGenetics, part of Exact Sciences
Classification: Uncertain significance for NRP2-related condition. Last evaluated: 2026-03-19. Review status: criteria provided, single submitter. Criteria: ACMG Guidelines, 2015. Collection method: clinical testing. Allele origin: germline.
Comment: The NRP2 c.356T>A variant is predicted to result in the amino acid substitution p.Met119Lys. To our knowledge, this variant has not been reported in the literature or in a large population database (gnomAD), indicating this variant is rare. At this time, the clinical significance of this variant is uncertain due to the absence of conclusive functional and genetic evidence.

NM_003872.3(NRP2):c.356T>A (p.Met119Lys)

Gene: NRP2 (neuropilin 2; plus strand). Cytogenetic location: 2q33.3.
Variant type: single nucleotide variant.
Coding change: c.356T>A on transcript NM_003872.3 (MANE Select); coding-DNA position 356, T replaced by A.
Protein change: p.Met119Lys; replaces methionine 119 with lysine.
Molecular consequence: missense variant.
Genome position (GRCh38, 1-based): chr2:205,716,297, T>A. VCF-style: chr2-205716297-T-A. GRCh37 (hg19) VCF-style: chr2-206581021-T-A.
Other names: c.356T>A, p.Met119Lys (NM_018534.4, NM_201264.2, NM_201266.2 and 2 more transcripts); short protein forms M119K.
Identifiers: ClinVar variation 4982101 (VCV004982101.1).